The following is an entry in ClinVar:

NM_000051.4(ATM):c.1898+9T>C

Gene: ATM (ATM serine/threonine kinase; plus strand). Cytogenetic location: 11q22.3.
Variant type: single nucleotide variant.
Coding change: c.1898+9T>C on transcript NM_000051.4 (MANE Select); 9 bases into the intron after coding-DNA position 1898, T replaced by C.
Molecular consequence: intron variant.
Genome position (GRCh38, 1-based): chr11:108,252,921, T>C. VCF-style: chr11-108252921-T-C. GRCh37 (hg19) VCF-style: chr11-108123648-T-C.
Other names: c.1898+9T>C (NM_001351834.2).
Identifiers: ClinVar variation 380363 (VCV000380363.14), dbSNP rs1057520836, ClinGen allele CA16606159.

ClinVar aggregate classification (germline): Likely benign. Review status: criteria provided, multiple submitters, no conflicts (2 of 4 stars). 4 submissions from 4 submitters: Likely benign (4). Last evaluated 2025-02-12.

Conditions:
Hereditary cancer-predisposing syndrome. Also called: Hereditary neoplastic syndrome; Tumor predisposition; Neoplastic Syndromes, Hereditary; Hereditary Cancer Syndrome. Identifiers: Orphanet 140162, MedGen C0027672, MeSH D009386, MONDO:0015356.
Familial cancer of breast. Also called: Hereditary breast cancer; BREAST CANCER, FAMILIAL; hereditary breast carcinoma. Identifiers: Orphanet 227535, MedGen C0346153, MONDO:0016419, OMIM 114480. Disease mechanism: loss of function.
Ataxia-telangiectasia syndrome (AT). Also called: LOUIS-BAR SYNDROME; ATAXIA-TELANGIECTASIA, COMPLEMENTATION GROUP A; ATAXIA-TELANGIECTASIA, FRESNO VARIANT; Ataxia-telangiectasia; Ataxia telangiectasia (A-T); Cerebello-oculocutaneous telangiectasia. Identifiers: Orphanet 100, MedGen C0004135, MONDO:0008840, OMIM 208900.

Allele frequency attached by ClinVar (database versions not stated): gnomAD 0.00001; gnomAD exomes 0.00001; TOPMed 0.00001.
gnomAD v4.1: 9 of 1,589,518 alleles (0.00057%); highest among the groups gnomAD compares: Non-Finnish European, 0.00078%; no homozygotes.

Submissions (4):

Labcorp Genetics (formerly Invitae), Labcorp
Classification: Likely benign for Ataxia-telangiectasia syndrome. Last evaluated: 2025-02-12. Review status: criteria provided, single submitter. Criteria: Invitae Variant Classification Sherloc (09022015). Collection method: clinical testing. Allele origin: germline.

Myriad Genetics, Inc.
Classification: Likely benign for Familial cancer of breast. Last evaluated: 2024-05-02. Review status: criteria provided, single submitter. Criteria: Myriad Autosomal Dominant, Autosomal Recessive and X-Linked Classification Criteria (2023). Collection method: clinical testing. Allele origin: unknown.
Comment: This variant is considered likely benign. This variant is intronic and is not expected to impact mRNA splicing.

GeneDx
Classification: Likely benign. Last evaluated: 2016-08-18. Review status: criteria provided, single submitter. Criteria: GeneDx Variant Classification (06012015). Collection method: clinical testing. Allele origin: germline. Affected: yes.
Comment: This variant is considered likely benign or benign based on one or more of the following criteria: it is a conservative change, it occurs at a poorly conserved position in the protein, it is predicted to be benign by multiple in silico algorithms, and/or has population frequency not consistent with disease.

Color Diagnostics, LLC DBA Color Health
Classification: Likely benign for Hereditary cancer-predisposing syndrome. Last evaluated: 2015-05-18. Review status: criteria provided, single submitter. Criteria: ACMG Guidelines, 2015. Collection method: clinical testing. Allele origin: germline.